The following is an entry in ClinVar:

ClinVar aggregate classification (germline): Likely pathogenic (1 of 4 stars; one submission).

Conditions:
X-linked Alport syndrome (ATS1). Also called: NEPHROPATHY AND DEAFNESS, X-LINKED; COL4A5-Related Nephropathy. Identifiers: Orphanet 63, Orphanet 88917, MedGen C4746986, MONDO:0010520, OMIM 301050.

Submission:

Natera, Inc.
Classification: Likely pathogenic for X-linked Alport syndrome. Last evaluated: 2025-11-26. Review status: criteria provided, single submitter. Criteria: Natera Variant Classification Schema (03/2026). Collection method: clinical testing. Allele origin: germline.
Comment: The c.3134G>T variant in COL4A5 is a missense variant predicted to cause substitution of glycine to valine at amino acid 1045. This variant is rare in the general population with a frequency below the threshold expected for the associated phenotype(s). This variant is located in a functionally critical region of the protein. Computational prediction algorithms indicate this variant is likely to affect gene or protein function. Given the available evidence, this variant is classified as Likely Pathogenic.

NM_033380.3(COL4A5):c.3134G>T (p.Gly1045Val)

Gene: COL4A5 (collagen type IV alpha 5 chain; plus strand). Cytogenetic location: Xq22.3.
Variant type: single nucleotide variant.
Coding change: c.3134G>T on transcript NM_033380.3 (MANE Select); coding-DNA position 3134, G replaced by T.
Protein change: p.Gly1045Val; replaces glycine 1045 with valine.
Molecular consequence: missense variant.
Genome position (GRCh38, 1-based): chrX:108,626,237, G>T. VCF-style: chrX-108626237-G-T. GRCh37 (hg19) VCF-style: chrX-107869467-G-T.
Other names: c.3134G>T, p.Gly1045Val (NM_000495.5); short protein forms G1045V.
Identifiers: ClinVar variation 4818585 (VCV004818585.1).